The following is an entry in ClinVar:

NM_004035.7(ACOX1):c.720C>T (p.Leu240=)

Gene: ACOX1 (acyl-CoA oxidase 1; minus strand). Cytogenetic location: 17q25.1.
Variant type: single nucleotide variant.
Coding change: c.720C>T on transcript NM_004035.7 (MANE Select); coding-DNA position 720, C replaced by T.
Protein change: p.Leu240=; no amino-acid change (leucine 240 retained).
Molecular consequence: synonymous variant.
Genome position (GRCh38, 1-based): chr17:75,955,620, G>A on the plus strand (C>T on the coding strand, the complement: ACOX1 is on the minus strand). VCF-style: chr17-75955620-G-A. GRCh37 (hg19) VCF-style: chr17-73951701-G-A.
Other names: p.Leu240=; c.606C>T, p.Leu202= (NM_001185039.2); c.720C>T, p.Leu240= (NM_007292.6).
Identifiers: ClinVar variation 750799 (VCV000750799.15), dbSNP rs764707636, ClinGen allele CA8776940.

ClinVar aggregate classification (germline): Likely benign. Review status: criteria provided, multiple submitters, no conflicts (2 of 4 stars). 3 submissions from 3 submitters: Likely benign (2). 1 of the submissions does not count toward it. Last evaluated 2025-10-07.

Conditions:
Acyl-CoA oxidase deficiency. Also called: STRAIGHT-CHAIN ACYL-CoA OXIDASE DEFICIENCY; Peroxisomal acyl-CoA oxidase deficiency; Pseudoneonatal adrenoleukodystrophy. Identifiers: Orphanet 2971, MedGen C1849678, MONDO:0009919, OMIM 264470. Disease mechanism: loss of function.

Allele frequency attached by ClinVar (database versions not stated): gnomAD 0.00001; ExAC 0.00002; gnomAD exomes 0.00002; TOPMed 0.00002.
gnomAD v4.1: 26 of 1,614,000 alleles (0.0016%); highest among the groups gnomAD compares: East Asian, 0.0022%; no homozygotes.

Submissions (3):

Mayo Clinic Laboratories, Mayo Clinic
Classification: Likely benign. Last evaluated: 2025-10-07. Review status: criteria provided, single submitter. Criteria: ACMG Guidelines, 2015. Collection method: clinical testing. Allele origin: germline. Observed: 1 variant allele.
Comment: BP4, BP7

Labcorp Genetics (formerly Invitae), Labcorp
Classification: Likely benign for Acyl-CoA oxidase deficiency. Last evaluated: 2024-03-04. Review status: criteria provided, single submitter. Criteria: Invitae Variant Classification Sherloc (09022015). Collection method: clinical testing. Allele origin: germline.

Natera, Inc.
Classification: Likely benign for Peroxisomal acyl-CoA oxidase deficiency. Last evaluated: 2020-02-28. Review status: no assertion criteria provided. Collection method: clinical testing. Allele origin: germline. Not counted in ClinVar's aggregate classification.